The following is an entry in ClinVar:

NM_001040108.2(MLH3):c.462G>T (p.Gln154His)

Gene: MLH3 (mutL homolog 3; minus strand). Cytogenetic location: 14q24.3.
Variant type: single nucleotide variant.
Coding change: c.462G>T on transcript NM_001040108.2 (MANE Select); coding-DNA position 462, G replaced by T.
Protein change: p.Gln154His; replaces glutamine 154 with histidine.
Molecular consequence: missense variant.
Genome position (GRCh38, 1-based): chr14:75,049,194, C>A on the plus strand (G>T on the coding strand, the complement: MLH3 is on the minus strand). VCF-style: chr14-75049194-C-A. GRCh37 (hg19) VCF-style: chr14-75515897-C-A.
Other names: c.462G>T, p.Gln154His (NM_014381.3); short protein forms Q154H.
Identifiers: ClinVar variation 2563547 (VCV002563547.2), dbSNP rs1892490479, ClinGen allele CA390450155.

ClinVar aggregate classification (germline): Uncertain significance (1 of 4 stars; one submission).

Allele frequency attached by ClinVar (database versions not stated): TOPMed below 0.00001.

Submission:

Ambry Genetics
Classification: Uncertain significance. Last evaluated: 2023-04-28. Review status: criteria provided, single submitter. Criteria: Ambry Variant Classification Scheme 2023. Collection method: clinical testing. Allele origin: germline.
Comment: The p.Q154H variant (also known as c.462G>T), located in coding exon 1 of the MLH3 gene, results from a G to T substitution at nucleotide position 462. The glutamine at codon 154 is replaced by histidine, an amino acid with highly similar properties. This amino acid position is conserved. In addition, the in silico prediction for this alteration is inconclusive. Since supporting evidence is limited at this time, the clinical significance of this alteration remains unclear.